The following is an entry in ClinVar:

NM_014491.4(FOXP2):c.1438T>G (p.Ser480Ala)

Gene: FOXP2 (forkhead box P2; plus strand). Cytogenetic location: 7q31.1.
Variant type: single nucleotide variant.
Coding change: c.1438T>G on transcript NM_014491.4 (MANE Select); coding-DNA position 1438, T replaced by G.
Protein change: p.Ser480Ala; replaces serine 480 with alanine.
Molecular consequence: missense variant. On other transcripts: non-coding transcript variant (1).
Genome position (GRCh38, 1-based): chr7:114,658,237, T>G. VCF-style: chr7-114658237-T-G. GRCh37 (hg19) VCF-style: chr7-114298292-T-G.
Other names: c.1435T>G, p.Ser479Ala (NM_001172766.3); c.1513T>G, p.Ser505Ala (NM_148898.4); c.1489T>G, p.Ser497Ala (NM_148900.4); short protein forms S479A, S480A, S497A, S505A.
Identifiers: ClinVar variation 4282093 (VCV004282093.1).
Genomic context (GRCh38, chr7:114,658,237, plus strand): 5'-GGACCCTCAGTAATCACCCCAGCCAGTGTGCCCAATGTGGGAGCCATACGAAGGCGACAT[T>G]CAGACAAATACAACATTCCCATGTCATCAGGTAGGATATGAATGCTCAGTAGAGCACTTT-3'
Protein context (NP_055306.1, residues 470-490): PNVGAIRRRH[Ser480Ala]DKYNIPMSSE

ClinVar aggregate classification (germline): Uncertain significance (1 of 4 stars; one submission).

Submission:

GeneDx
Classification: Uncertain significance. Last evaluated: 2025-04-15. Review status: criteria provided, single submitter. Criteria: GeneDx Variant Classification Process June 2021. Collection method: clinical testing. Allele origin: germline. Affected: yes.
Comment: Not observed at significant frequency in large population cohorts (gnomAD); In silico analysis indicates that this missense variant does not alter protein structure/function; Has not been previously published as pathogenic or benign to our knowledge